The following is an entry in ClinVar:

NM_000245.4(MET):c.1304G>A (p.Ser435Asn)

Gene: MET (MET proto-oncogene, receptor tyrosine kinase; plus strand). Cytogenetic location: 7q31.2.
Variant type: single nucleotide variant.
Coding change: c.1304G>A on transcript NM_000245.4 (MANE Select); coding-DNA position 1304, G replaced by A.
Protein change: p.Ser435Asn; replaces serine 435 with asparagine.
Molecular consequence: missense variant.
Genome position (GRCh38, 1-based): chr7:116,731,771, G>A. VCF-style: chr7-116731771-G-A. GRCh37 (hg19) VCF-style: chr7-116371825-G-A.
Other names: c.1304G>A, p.Ser435Asn (NM_001127500.3, NM_001324401.3); c.14G>A, p.Ser5Asn (NM_001324402.2); short protein forms S435N, S5N.
Identifiers: ClinVar variation 41616 (VCV000041616.13), dbSNP rs199761604, ClinGen allele CA215632.

ClinVar aggregate classification (germline): Conflicting classifications of pathogenicity. Review status: criteria provided, conflicting classifications (1 of 4 stars). 3 submissions from 3 submitters: Uncertain significance (1); Likely benign (1). 1 of the submissions does not count toward it. Last evaluated 2024-07-13.

Conditions:
Renal cell carcinoma. Identifiers: Orphanet 217071, MedGen C0007134, MeSH D002292, MONDO:0005086, HP:0005584.
Hereditary cancer-predisposing syndrome. Also called: Hereditary neoplastic syndrome; Neoplastic Syndromes, Hereditary; Hereditary Cancer Syndrome; Tumor predisposition. Identifiers: Orphanet 140162, MedGen C0027672, MeSH D009386, MONDO:0015356.

Allele frequency attached by ClinVar (database versions not stated): gnomAD exomes below 0.00001.
gnomAD v4.1: 3 of 1,614,128 alleles (0.00019%); highest among the groups gnomAD compares: South Asian, 0.0022%; no homozygotes.

Submissions (3):

Labcorp Genetics (formerly Invitae), Labcorp
Classification: Uncertain significance for Renal cell carcinoma. Last evaluated: 2024-07-13. Review status: criteria provided, single submitter. Criteria: Invitae Variant Classification Sherloc (09022015). Collection method: clinical testing. Allele origin: germline.
Comment: This sequence change replaces serine, which is neutral and polar, with asparagine, which is neutral and polar, at codon 435 of the MET protein (p.Ser435Asn). This variant is not present in population databases (gnomAD no frequency). This variant has not been reported in the literature in individuals affected with MET-related conditions. ClinVar contains an entry for this variant (Variation ID: 41616). Advanced modeling of protein sequence and biophysical properties (such as structural, functional, and spatial information, amino acid conservation, physicochemical variation, residue mobility, and thermodynamic stability) performed at Invitae indicates that this missense variant is not expected to disrupt MET protein function with a negative predictive value of 80%. In summary, the available evidence is currently insufficient to determine the role of this variant in disease. Therefore, it has been classified as a Variant of Uncertain Significance.

Ambry Genetics
Classification: Likely benign for Hereditary cancer-predisposing syndrome. Last evaluated: 2023-06-15. Review status: criteria provided, single submitter. Criteria: Ambry Variant Classification Scheme 2023. Collection method: clinical testing. Allele origin: germline.

Biesecker Lab/Clinical Genomics Section, National Institutes of Health
Classification: Uncertain significance. Last evaluated: 2012-07-13. Review status: no assertion criteria provided. Collection method: research. Allele origin: germline. Affected: no. Observed: 1 variant allele. Study: ClinSeq. Not counted in ClinVar's aggregate classification.
ClinVar note: Converted during submission from variant of unknown significance to Uncertain significance.